The following is an entry in ClinVar:

NM_000334.4(SCN4A):c.1900C>G (p.Pro634Ala)

Gene: SCN4A (sodium voltage-gated channel alpha subunit 4; minus strand). Cytogenetic location: 17q23.3.
Variant type: single nucleotide variant.
Coding change: c.1900C>G on transcript NM_000334.4 (MANE Select); coding-DNA position 1900, C replaced by G.
Protein change: p.Pro634Ala; replaces proline 634 with alanine.
Molecular consequence: missense variant.
Genome position (GRCh38, 1-based): chr17:63,959,384, G>C on the plus strand (C>G on the coding strand, the complement: SCN4A is on the minus strand). VCF-style: chr17-63959384-G-C. GRCh37 (hg19) VCF-style: chr17-62036744-G-C.
Other names: short protein forms P634A.
Identifiers: ClinVar variation 2002940 (VCV002002940.4), dbSNP rs2509308138, ClinGen allele CA400632187.

ClinVar aggregate classification (germline): Uncertain significance (1 of 4 stars; one submission).

Conditions:
Hyperkalemic periodic paralysis. Also called: Familial hyperkalemic periodic paralysis; Gamstorp disease. Identifiers: Orphanet 682, MedGen C0238357, MONDO:0008224, OMIM 170500, HP:0007215.

Submission:

Labcorp Genetics (formerly Invitae), Labcorp
Classification: Uncertain significance for Hyperkalemic periodic paralysis. Last evaluated: 2024-02-17. Review status: criteria provided, single submitter. Criteria: Invitae Variant Classification Sherloc (09022015). Collection method: clinical testing. Allele origin: germline.
Comment: This sequence change replaces proline, which is neutral and non-polar, with alanine, which is neutral and non-polar, at codon 634 of the SCN4A protein (p.Pro634Ala). This variant is not present in population databases (gnomAD no frequency). This variant has not been reported in the literature in individuals affected with SCN4A-related conditions. ClinVar contains an entry for this variant (Variation ID: 2002940). Advanced modeling of protein sequence and biophysical properties (such as structural, functional, and spatial information, amino acid conservation, physicochemical variation, residue mobility, and thermodynamic stability) performed at Invitae indicates that this missense variant is expected to disrupt SCN4A protein function with a positive predictive value of 80%. In summary, the available evidence is currently insufficient to determine the role of this variant in disease. Therefore, it has been classified as a Variant of Uncertain Significance.